The following is an entry in ClinVar:

NM_000098.3(CPT2):c.1342T>C (p.Phe448Leu)

Gene: CPT2 (carnitine palmitoyltransferase 2; plus strand). Cytogenetic location: 1p32.3.
Variant type: single nucleotide variant.
Coding change: c.1342T>C on transcript NM_000098.3 (MANE Select); coding-DNA position 1342, T replaced by C.
Protein change: p.Phe448Leu; replaces phenylalanine 448 with leucine.
Molecular consequence: missense variant.
Genome position (GRCh38, 1-based): chr1:53,211,016, T>C. VCF-style: chr1-53211016-T-C. GRCh37 (hg19) VCF-style: chr1-53676688-T-C.
Other names: c.1342T>C, p.Phe448Leu (NM_001330589.2); short protein forms F448L.
Identifiers: ClinVar variation 8960 (VCV000008960.57), dbSNP rs74315297, ClinGen allele CA245063.

ClinVar aggregate classification (germline): Conflicting classifications of pathogenicity; other. Review status: criteria provided, conflicting classifications (1 of 4 stars). 8 submissions from 8 submitters: Uncertain significance (5); Benign (1). 1 of the submissions does not count toward it. Last evaluated 2026-04-21.

Conditions:
CPT2-related disorder. Also called: CPT2-related condition.
Carnitine palmitoyltransferase II deficiency. Also called: Carnitine Palmitoyltransferase 2 Deficiency. Identifiers: Orphanet 157, MedGen C0342790, MONDO:0015515.

Allele frequency attached by ClinVar (database versions not stated): ExAC 0.00011; gnomAD exomes 0.00021; TOPMed 0.00012.
gnomAD v4.1: 190 of 1,614,056 alleles (0.012%); highest among the groups gnomAD compares: Non-Finnish European, 0.0016%; no homozygotes.

Submissions (8):

PreventionGenetics, part of Exact Sciences
Classification: Uncertain significance for CPT2-related condition. Last evaluated: 2026-04-21. Review status: criteria provided, single submitter. Criteria: ACMG Guidelines, 2015. Collection method: clinical testing. Allele origin: germline.
Comment: The CPT2 c.1342T>C variant is predicted to result in the amino acid substitution p.Phe448Leu. This variant was reported in individuals with Carnitine palmitoyltransferase II deficiency (Taggart et al 1999. PubMed ID: 10090476; Meir K et al 2009. PubMed ID: 19335026). This variant is reported in 0.47% of alleles in individuals of Ashkenazi Jewish descent in gnomAD. Although we suspect that this variant may be benign, at this time, the clinical significance of this variant is uncertain due to the absence of conclusive functional and genetic evidence.

Women's Health and Genetics/Laboratory Corporation of America, LabCorp
Classification: Uncertain significance. Last evaluated: 2026-04-02. Review status: criteria provided, single submitter. Criteria: LabCorp Variant Classification Summary - May 2015. Collection method: clinical testing. Allele origin: germline.
Comment: Variant summary: CPT2 c.1342T>C (p.Phe448Leu) results in a non-conservative amino acid change in the encoded protein sequence. Algorithms developed to predict the effect of missense changes on protein structure and function all suggest that this variant is likely to be disruptive. The variant allele was found at a frequency of 0.00021 in 251382 control chromosomes, predominantly at a frequency of 0.0047 within the Ashkenazi-Jewish subpopulation. This frequency in the general population is not significantly higher than estimated for disease-causing variants in CPT2, allowing no conclusion about variant significance. c.1342T>C has been observed in isolation in the presumed compound heterozygous state in only 1 individual(s) affected with Carnitine Palmitoyltransferase II Deficiency (example, Thullier_2003). However, in the vast majority of cases it is found in cis with an independently pathogenic variant c.1239_1240del (p.Lys414Thrfs*7), expected to result in nonsense mediated decay, primarily in the Ashkenazi-Jewish population (example, Taggart_1999). Given the nearly identical gnomAD population frequencies of this missense variant and the frameshift in cis, and the prevalence among individuals of Ashkenazi-Jewish descent affected with CPT2-related conditions, these data suggest that this haplotype may represent a founder variant. However, the relevance of this missense component of the haplotype cannot be independently determined. These report(s) do not provide unequivocal conclusions about association of the variant with Carnitine Palmitoyltransferase II Deficiency. To our knowledge, no experimental evidence demonstrating an impact on protein function has been reported. The following publications have been ascertained in the context of this evaluation (PMID: 12673791, 10090476). ClinVar contains an entry for this variant (Variation ID: 8960). Based on the evidence outlined above, the variant was classified as uncertain significance.

Labcorp Genetics (formerly Invitae), Labcorp
Classification: Uncertain significance for Carnitine palmitoyltransferase II deficiency. Last evaluated: 2025-01-24. Review status: criteria provided, single submitter. Criteria: Invitae Variant Classification Sherloc (09022015). Collection method: clinical testing. Allele origin: germline.
Comment: This sequence change replaces phenylalanine, which is neutral and non-polar, with leucine, which is neutral and non-polar, at codon 448 of the CPT2 protein (p.Phe448Leu). This variant is present in population databases (rs74315297, gnomAD 0.5%). This missense change has been observed in individual(s) with autosomal recessive carnitine palmitoyltransferase II deficiency. It is often reported in cis with the truncating variant c.1239_1240del (p.Lys414Thrfs*7), and this haplotype is a common cause of CPT2-deficiency (PMID: 10090476, 12673791, 12707442, 21913903). In at least one individual the data is consistent with being in trans (on the opposite chromosome) from a pathogenic variant. ClinVar contains an entry for this variant (Variation ID: 8960). Invitae Evidence Modeling of protein sequence and biophysical properties (such as structural, functional, and spatial information, amino acid conservation, physicochemical variation, residue mobility, and thermodynamic stability) indicates that this missense variant is not expected to disrupt CPT2 protein function with a negative predictive value of 80%. In summary, the available evidence is currently insufficient to determine the role of this variant in disease. Therefore, it has been classified as a Variant of Uncertain Significance.

Blueprint Genetics
Classification: Uncertain significance. Last evaluated: 2024-08-19. Review status: criteria provided, single submitter. Criteria: ACMG Guidelines, 2015. Collection method: clinical testing. Allele origin: germline.

Myriad Genetics, Inc.
Classification: Uncertain significance for Carnitine palmitoyltransferase II deficiency. Last evaluated: 2021-10-27. Review status: criteria provided, single submitter. Criteria: Myriad Autosomal Dominant, Autosomal Recessive and X-Linked Classification Criteria (2023). Collection method: clinical testing. Allele origin: unknown.
Comment: NM_000098.2(CPT2):c.1342T>C(F448L) is a missense variant classified as a variant of uncertain significance in the context of carnitine palmitoyltransferase II deficiency. F448L has been observed in cases with relevant disease (PMID: 12673791). Functional assessments of this variant are not available in the literature. F448L has been observed in population frequency databases (gnomAD: ASJ 0.49%). In summary, there is insufficient evidence to classify NM_000098.2(CPT2):c.1342T>C(F448L) as pathogenic or benign. Please note: this variant was assessed in the context of healthy population screening.

GeneDx
Classification: Benign. Last evaluated: 2015-04-08. Review status: criteria provided, single submitter. Criteria: GeneDx Variant Classification (06012015). Collection method: clinical testing. Allele origin: germline. Affected: yes.
Comment: This variant is considered likely benign or benign based on one or more of the following criteria: it is a conservative change, it occurs at a poorly conserved position in the protein, it is predicted to be benign by multiple in silico algorithms, and/or has population frequency not consistent with disease.

Eurofins Ntd Llc (ga)
Classification: other. Last evaluated: 2015-03-02. Review status: criteria provided, single submitter. Criteria: EGL Classification Definitions 2015. Collection method: clinical testing. Allele origin: germline. Observed: 1 variant allele, 1 heterozygote.

GeneReviews
Classification: Uncertain significance for Carnitine palmitoyltransferase II deficiency. Last evaluated: 2017-03-16. Review status: no assertion criteria provided. Collection method: literature only. Allele origin: germline. Not counted in ClinVar's aggregate classification.

Literature cited by the submitters: PubMed 10090476 (cited by 4 submitters); PubMed 12673791 (cited by 3 submitters); PubMed 12707442 (cited by Labcorp Genetics (formerly Invitae), Labcorp); PubMed 21913903 (cited by Labcorp Genetics (formerly Invitae), Labcorp); PubMed 15642848 (cited by Eurofins Ntd Llc (ga) and GeneReviews); PubMed 20301431 (cited by GeneReviews).